The following is an entry in ClinVar:

NM_001854.4(COL11A1):c.3494G>T (p.Gly1165Val)

Gene: COL11A1 (collagen type XI alpha 1 chain; minus strand). Cytogenetic location: 1p21.1.
Variant type: single nucleotide variant.
Coding change: c.3494G>T on transcript NM_001854.4 (MANE Select); coding-DNA position 3494, G replaced by T.
Protein change: p.Gly1165Val; replaces glycine 1165 with valine.
Molecular consequence: missense variant. On other transcripts: non-coding transcript variant (1).
Genome position (GRCh38, 1-based): chr1:102,934,555, C>A on the plus strand (G>T on the coding strand, the complement: COL11A1 is on the minus strand). VCF-style: chr1-102934555-C-A. GRCh37 (hg19) VCF-style: chr1-103400111-C-A.
Other names: c.3146G>T, p.Gly1049Val (NM_001168249.1, NM_080630.4); c.3377G>T, p.Gly1126Val (NM_001190709.2); c.3530G>T, p.Gly1177Val (NM_080629.3); short protein forms G1049V, G1126V, G1165V, G1177V.
Identifiers: ClinVar variation 1716384 (VCV001716384.5), dbSNP rs2524688906, ClinGen allele CA341168150.

ClinVar aggregate classification (germline): Uncertain significance (1 of 4 stars; one submission).

Submission:

Labcorp Genetics (formerly Invitae), Labcorp
Classification: Uncertain significance. Last evaluated: 2022-08-13. Review status: criteria provided, single submitter. Criteria: Invitae Variant Classification Sherloc (09022015). Collection method: clinical testing. Allele origin: germline.
Comment: This sequence change replaces glycine, which is neutral and non-polar, with valine, which is neutral and non-polar, at codon 1165 of the COL11A1 protein (p.Gly1165Val). This variant is not present in population databases (gnomAD no frequency). This variant has not been reported in the literature in individuals affected with COL11A1-related conditions. Algorithms developed to predict the effect of missense changes on protein structure and function are either unavailable or do not agree on the potential impact of this missense change (SIFT: "Deleterious"; PolyPhen-2: "Not Available"; Align-GVGD: "Class C65"). Algorithms developed to predict the effect of sequence changes on RNA splicing suggest that this variant may create or strengthen a splice site. In summary, the available evidence is currently insufficient to determine the role of this variant in disease. Therefore, it has been classified as a Variant of Uncertain Significance.